The following is an entry in ClinVar:

ClinVar aggregate classification (germline): Uncertain significance (1 of 4 stars; one submission).

Conditions:
Lipodystrophy, partial, acquired, susceptibility to (APLD). Also called: APLD, SUSCEPTIBILITY TO. Identifiers: MedGen C3887501, MONDO:0100476, OMIM 608709.
Progressive myoclonic epilepsy type 9. Identifiers: Orphanet 457265, MedGen C4225289, MONDO:0014685, OMIM 616540.

Allele frequency attached by ClinVar (database versions not stated): gnomAD exomes below 0.00001.
gnomAD v4.1: 1 of 1,613,390 alleles (0.000062%); highest among the groups gnomAD compares: Non-Finnish European, 0.000085%; no homozygotes.

Submission:

Labcorp Genetics (formerly Invitae), Labcorp
Classification: Uncertain significance for Progressive myoclonic epilepsy type 9; Lipodystrophy, partial, acquired, susceptibility to. Last evaluated: 2020-12-22. Review status: criteria provided, single submitter. Criteria: Invitae Variant Classification Sherloc (09022015). Collection method: clinical testing. Allele origin: germline.
Comment: In summary, the available evidence is currently insufficient to determine the role of this variant in disease. Therefore, it has been classified as a Variant of Uncertain Significance. Algorithms developed to predict the effect of missense changes on protein structure and function output the following: SIFT: "Tolerated"; PolyPhen-2: "Benign"; Align-GVGD: "Class C0". The glutamic acid amino acid residue is found in multiple mammalian species, suggesting that this missense change does not adversely affect protein function. These predictions have not been confirmed by published functional studies and their clinical significance is uncertain. This variant has not been reported in the literature in individuals with LMNB2-related conditions. This variant is not present in population databases (ExAC no frequency). This sequence change replaces aspartic acid with glutamic acid at codon 347 of the LMNB2 protein (p.Asp347Glu). The aspartic acid residue is highly conserved and there is a small physicochemical difference between aspartic acid and glutamic acid.

NM_032737.4(LMNB2):c.1041C>A (p.Asp347Glu)

Gene: LMNB2 (lamin B2; minus strand). Cytogenetic location: 19p13.3.
Variant type: single nucleotide variant.
Coding change: c.1041C>A on transcript NM_032737.4 (MANE Select); coding-DNA position 1041, C replaced by A.
Protein change: p.Asp347Glu; replaces aspartic acid 347 with glutamic acid.
Molecular consequence: missense variant.
Genome position (GRCh38, 1-based): chr19:2,434,456, G>T on the plus strand (C>A on the coding strand, the complement: LMNB2 is on the minus strand). VCF-style: chr19-2434456-G-T. GRCh37 (hg19) VCF-style: chr19-2434454-G-T.
Other names: short protein forms D347E.
Identifiers: ClinVar variation 1496293 (VCV001496293.8), dbSNP rs1366067577, ClinGen allele CA403254179.